The following is an entry in ClinVar:

NM_153365.3(TAPT1):c.44G>A (p.Gly15Asp)

Gene: TAPT1 (transmembrane anterior posterior transformation 1; minus strand). Cytogenetic location: 4p15.32.
Variant type: single nucleotide variant.
Coding change: c.44G>A on transcript NM_153365.3 (MANE Select); coding-DNA position 44, G replaced by A.
Protein change: p.Gly15Asp; replaces glycine 15 with aspartic acid.
Molecular consequence: missense variant.
Genome position (GRCh38, 1-based): chr4:16,226,414, C>T on the plus strand (G>A on the coding strand, the complement: TAPT1 is on the minus strand). VCF-style: chr4-16226414-C-T. GRCh37 (hg19) VCF-style: chr4-16228037-C-T.
Other names: short protein forms G15D.
Identifiers: ClinVar variation 3001820 (VCV003001820.3), dbSNP rs1438001487, ClinGen allele CA356490693.

ClinVar aggregate classification (germline): Uncertain significance (1 of 4 stars; one submission).

Allele frequency attached by ClinVar (database versions not stated): gnomAD exomes 0.00001; TOPMed 0.00001; gnomAD 0.00002.
gnomAD v4.1: 4 of 1,088,570 alleles (0.00037%); highest among the groups gnomAD compares: Non-Finnish European, 0.00045%; no homozygotes.

Submission:

Labcorp Genetics (formerly Invitae), Labcorp
Classification: Uncertain significance. Last evaluated: 2024-01-26. Review status: criteria provided, single submitter. Criteria: Invitae Variant Classification Sherloc (09022015). Collection method: clinical testing. Allele origin: germline.
Comment: This sequence change replaces glycine, which is neutral and non-polar, with aspartic acid, which is acidic and polar, at codon 15 of the TAPT1 protein (p.Gly15Asp). The frequency data for this variant in the population databases is considered unreliable, as metrics indicate insufficient coverage at this position in the gnomAD database. This variant has not been reported in the literature in individuals affected with TAPT1-related conditions. Experimental studies and prediction algorithms are not available or were not evaluated, and the functional significance of this variant is currently unknown. In summary, the available evidence is currently insufficient to determine the role of this variant in disease. Therefore, it has been classified as a Variant of Uncertain Significance.